The following is an entry in ClinVar:

NM_170606.3(KMT2C):c.7131_7136del (p.Asp2377_Thr2378del)

Gene: KMT2C (lysine methyltransferase 2C; minus strand). Cytogenetic location: 7q36.1.
Variant type: Deletion.
Coding change: c.7131_7136del on transcript NM_170606.3 (MANE Select); coding-DNA positions 7131 to 7136, 6 bases deleted (TACAGA; older notation c.7131_7136delTACAGA).
Protein change: p.Asp2377_Thr2378del.
Genome position (GRCh38, 1-based): chr7:152,180,724-152,180,729, TCTGTA deleted on the plus strand (TACAGA on the coding strand, the reverse complement: KMT2C is on the minus strand); deleting any 6 consecutive bases within chr7:152,180,724-152,180,733 gives the same sequence; the c. name uses the placement nearest the transcript's 3' end. VCF-style (leftmost placement, unchanged base first): chr7-152180723-CTCTGTA-C. GRCh37 (hg19) VCF-style: chr7-151877808-CTCTGTA-C.
Other names: c.7131_7136delTACAGA (NM_170606.3).
Identifiers: ClinVar variation 3895976 (VCV003895976.1).

ClinVar aggregate classification (germline): Uncertain significance (1 of 4 stars; one submission).

Submission:

Women's Health and Genetics/Laboratory Corporation of America, LabCorp
Classification: Uncertain significance. Last evaluated: 2025-03-25. Review status: criteria provided, single submitter. Criteria: LabCorp Variant Classification Summary - May 2015. Collection method: clinical testing. Allele origin: germline.
Comment: Variant summary: KMT2C c.7131_7136delTACAGA (p.Asp2377_Thr2378del) results in an in-frame deletion that is predicted to remove two amino acids from the encoded protein. The variant was absent in 247908 control chromosomes. The available data on variant occurrences in the general population are insufficient to allow any conclusion about variant significance. To our knowledge, no occurrence of c.7131_7136delTACAGA in individuals affected with Kleefstra Syndrome 2 and no experimental evidence demonstrating its impact on protein function have been reported. No submitters have cited clinical-significance assessments for this variant to ClinVar. Based on the evidence outlined above, the variant was classified as uncertain significance.